The following is an entry in ClinVar:

ClinVar aggregate classification (germline): Benign. Review status: criteria provided, multiple submitters, no conflicts (2 of 4 stars). 10 submissions from 10 submitters: Benign (8). 2 of the submissions do not count toward it. Last evaluated 2026-02-03.

Conditions:
Oculotrichoanal syndrome (MOTA). Also called: MARLES SYNDROME; Manitoba Oculotrichoanal (MOTA) Syndrome. Identifiers: Orphanet 2717, MedGen C1855425, MONDO:0009560, OMIM 248450.

Allele frequency attached by ClinVar (database versions not stated): 1000 Genomes Project 0.16414; 1000 Genomes Project 30x 0.16568; gnomAD 0.19696; TOPMed 0.20029; ESP Exome Variant Server 0.20540; ExAC 0.23026; gnomAD exomes 0.23059.
gnomAD v4.1: 371,000 of 1,612,312 alleles (23%); highest among the groups gnomAD compares: Middle Eastern, 31%; 44,479 homozygotes.

Submissions (10):

Labcorp Genetics (formerly Invitae), Labcorp
Classification: Benign. Last evaluated: 2026-02-03. Review status: criteria provided, single submitter. Criteria: Invitae Variant Classification Sherloc (09022015). Collection method: clinical testing. Allele origin: germline.

Blueprint Genetics
Classification: Benign. Last evaluated: 2024-11-27. Review status: criteria provided, single submitter. Criteria: ACMG Guidelines, 2015. Collection method: clinical testing. Allele origin: germline.

Mayo Clinic Laboratories, Mayo Clinic
Classification: Benign. Last evaluated: 2022-03-09. Review status: criteria provided, single submitter. Criteria: ACMG Guidelines, 2015. Collection method: clinical testing. Allele origin: germline. Observed: 34 variant alleles.

Genome-Nilou Lab
Classification: Benign for Oculotrichoanal syndrome. Last evaluated: 2021-08-10. Review status: criteria provided, single submitter. Criteria: ACMG Guidelines, 2015. Collection method: clinical testing. Allele origin: germline. Affected: no.

GeneDx
Classification: Benign. Last evaluated: 2021-05-04. Review status: criteria provided, single submitter. Criteria: GeneDx Variant Classification (06012015). Collection method: clinical testing. Allele origin: germline. Affected: yes.

Illumina Laboratory Services, Illumina
Classification: Benign for Oculotrichoanal syndrome. Last evaluated: 2018-01-13. Review status: criteria provided, single submitter. Criteria: ICSL Variant Classification Criteria 13 December 2019. Collection method: clinical testing. Allele origin: germline.
Comment: This variant was observed in the ICSL laboratory as part of a predisposition screen in an ostensibly healthy population. It had not been previously curated by ICSL or reported in the Human Gene Mutation Database (HGMD: prior to June 1st, 2018), and was therefore a candidate for classification through an automated scoring system. Utilizing variant allele frequency, disease prevalence and penetrance estimates, and inheritance mode, an automated score was calculated to assess if this variant is too frequent to cause the disease. Based on the score and internal cut-off values, a variant classified as benign is not then subjected to further curation. The score for this variant resulted in a classification of benign for this disease.

Breakthrough Genomics
Classification: Benign. Review status: criteria provided, single submitter. Criteria: ACMG Guidelines, 2015. Collection method: not provided. Allele origin: germline. Inheritance: Autosomal recessive inheritance. Affected: yes.

PreventionGenetics, part of Exact Sciences
Classification: Benign. Review status: criteria provided, single submitter. Criteria: ACMG Guidelines, 2015. Collection method: clinical testing. Allele origin: germline.

Diagnostic Laboratory, Department of Genetics, University Medical Center Groningen
Classification: Benign. Review status: no assertion criteria provided. Collection method: clinical testing. Allele origin: germline. Affected: yes. Study: VKGL Data-share Consensus. Not counted in ClinVar's aggregate classification.

Genome Diagnostics Laboratory, University Medical Center Utrecht
Classification: Benign. Review status: no assertion criteria provided. Collection method: clinical testing. Allele origin: germline. Affected: yes. Study: VKGL Data-share Consensus. Not counted in ClinVar's aggregate classification.

NM_001379081.2(FREM1):c.2408C>A (p.Ser803Tyr)

Gene: FREM1 (FRAS1 related extracellular matrix 1; minus strand). Cytogenetic location: 9p22.3.
Variant type: single nucleotide variant.
Coding change: c.2408C>A on transcript NM_001379081.2 (MANE Select); coding-DNA position 2408, C replaced by A.
Protein change: p.Ser803Tyr; replaces serine 803 with tyrosine.
Molecular consequence: missense variant. On other transcripts: non-coding transcript variant (2).
Genome position (GRCh38, 1-based): chr9:14,819,372, G>T on the plus strand (C>A on the coding strand, the complement: FREM1 is on the minus strand). VCF-style: chr9-14819372-G-T. GRCh37 (hg19) VCF-style: chr9-14819370-G-T.
Other names: c.2408C>A, p.Ser803Tyr (NM_144966.7); short protein forms S803Y.
Identifiers: ClinVar variation 262535 (VCV000262535.21), dbSNP rs7023244, ClinGen allele CA4990931.